The following is an entry in ClinVar:

NM_002485.5(NBN):c.2255G>C (p.Arg752Thr)

Gene: NBN (nibrin; minus strand). Cytogenetic location: 8q21.3.
Variant type: single nucleotide variant.
Coding change: c.2255G>C on transcript NM_002485.5 (MANE Select); coding-DNA position 2255, G replaced by C.
Protein change: p.Arg752Thr; replaces arginine 752 with threonine.
Molecular consequence: missense variant.
Genome position (GRCh38, 1-based): chr8:89,935,592, C>G on the plus strand (G>C on the coding strand, the complement: NBN is on the minus strand). VCF-style: chr8-89935592-C-G. GRCh37 (hg19) VCF-style: chr8-90947820-C-G.
Other names: c.2009G>C, p.Arg670Thr (NM_001024688.3); short protein forms R670T, R752T.
Identifiers: ClinVar variation 1788512 (VCV001788512.7), dbSNP rs1809632493, ClinGen allele CA371674678.

ClinVar aggregate classification (germline): Uncertain significance. Review status: criteria provided, multiple submitters, no conflicts (2 of 4 stars). 2 submissions from 2 submitters: Uncertain significance (2). Last evaluated 2022-07-11.

Conditions:
Hereditary cancer-predisposing syndrome. Also called: Tumor predisposition; Neoplastic Syndromes, Hereditary; Hereditary Cancer Syndrome; Hereditary neoplastic syndrome. Identifiers: Orphanet 140162, MedGen C0027672, MeSH D009386, MONDO:0015356.
Microcephaly, normal intelligence and immunodeficiency (NBS). Also called: IMMUNODEFICIENCY, MICROCEPHALY, AND CHROMOSOMAL INSTABILITY; SEEMANOVA SYNDROME II; Nijmegen breakage syndrome; Microcephaly with normal intelligence immunodeficiency and lymphoreticular malignancies; Nonsyndromal microcephaly autosomal recessive with normal intelligence; Seemanova syndrome 2. Identifiers: Orphanet 647, MedGen C0398791, MONDO:0009623, OMIM 251260.

Submissions (2):

Labcorp Genetics (formerly Invitae), Labcorp
Classification: Uncertain significance for Microcephaly, normal intelligence and immunodeficiency. Last evaluated: 2022-07-11. Review status: criteria provided, single submitter. Criteria: Invitae Variant Classification Sherloc (09022015). Collection method: clinical testing. Allele origin: germline.
Comment: In summary, the available evidence is currently insufficient to determine the role of this variant in disease. Therefore, it has been classified as a Variant of Uncertain Significance. Algorithms developed to predict the effect of missense changes on protein structure and function are either unavailable or do not agree on the potential impact of this missense change (SIFT: "Tolerated"; PolyPhen-2: "Possibly Damaging"; Align-GVGD: "Class C0"). This sequence change replaces arginine, which is basic and polar, with threonine, which is neutral and polar, at codon 752 of the NBN protein (p.Arg752Thr). This variant is not present in population databases (gnomAD no frequency). This variant has not been reported in the literature in individuals affected with NBN-related conditions.

Ambry Genetics
Classification: Uncertain significance for Hereditary cancer-predisposing syndrome. Last evaluated: 2022-05-17. Review status: criteria provided, single submitter. Criteria: Ambry Variant Classification Scheme 2023. Collection method: clinical testing. Allele origin: germline.
Comment: The p.R752T variant (also known as c.2255G>C), located in coding exon 16 of the NBN gene, results from a G to C substitution at nucleotide position 2255. The arginine at codon 752 is replaced by threonine, an amino acid with similar properties. This amino acid position is conserved. In addition, this alteration is predicted to be tolerated by in silico analysis. Since supporting evidence is limited at this time, the clinical significance of this alteration remains unclear.